The following is an entry in ClinVar:

ClinVar aggregate classification (germline): Likely benign. Review status: criteria provided, multiple submitters, no conflicts (2 of 4 stars). 4 submissions from 4 submitters: Likely benign (4). Last evaluated 2025-09-28.

Conditions:
Inborn genetic diseases. Identifiers: MedGen C0950123, MeSH D030342.
Aortic valve disease 2 (AOVD2). Identifiers: MedGen C3542024, MONDO:0013902, OMIM 614823.

Allele frequency attached by ClinVar (database versions not stated): gnomAD 0.00003; TOPMed 0.00005.
gnomAD v4.1: 70 of 1,406,620 alleles (0.005%); highest among the groups gnomAD compares: East Asian, 0.0099%; no homozygotes.

Submissions (4):

Labcorp Genetics (formerly Invitae), Labcorp
Classification: Likely benign for Aortic valve disease 2. Last evaluated: 2025-09-28. Review status: criteria provided, single submitter. Criteria: Invitae Variant Classification Sherloc (09022015). Collection method: clinical testing. Allele origin: germline.

Mayo Clinic Laboratories, Mayo Clinic
Classification: Likely benign. Last evaluated: 2025-03-26. Review status: criteria provided, single submitter. Criteria: ACMG Guidelines, 2015. Collection method: clinical testing. Allele origin: germline. Observed: 1 variant allele.
Comment: BP4, BP7, PM2_supporting

Blueprint Genetics
Classification: Likely benign. Last evaluated: 2022-01-10. Review status: criteria provided, single submitter. Criteria: ACMG Guidelines, 2015. Collection method: clinical testing. Allele origin: germline.

Ambry Genetics
Classification: Likely benign for Inborn genetic diseases. Last evaluated: 2021-11-24. Review status: criteria provided, single submitter. Criteria: Ambry Variant Classification Scheme 2023. Collection method: clinical testing. Allele origin: germline.

NM_005585.5(SMAD6):c.573G>C (p.Leu191=)

Gene: SMAD6 (SMAD family member 6; plus strand). Cytogenetic location: 15q22.31.
Variant type: single nucleotide variant.
Coding change: c.573G>C on transcript NM_005585.5 (MANE Select); coding-DNA position 573, G replaced by C.
Protein change: p.Leu191=; no amino-acid change (leucine 191 retained).
Molecular consequence: synonymous variant. On other transcripts: non-coding transcript variant (1).
Genome position (GRCh38, 1-based): chr15:66,703,831, G>C. VCF-style: chr15-66703831-G-C. GRCh37 (hg19) VCF-style: chr15-66996169-G-C.
Other names: p.Leu191=.
Identifiers: ClinVar variation 699663 (VCV000699663.14), dbSNP rs778199794, ClinGen allele CA7626492.